The following is an entry in ClinVar:

ClinVar aggregate classification (germline): Benign/Likely benign. Review status: criteria provided, multiple submitters, no conflicts (2 of 4 stars). 6 submissions from 6 submitters: Benign (5); Likely benign (1). Last evaluated 2026-02-02.

Conditions:
Maturity-onset diabetes of the young (MODY). Also called: Maturity onset diabetes mellitus in young. Identifiers: Orphanet 552, MedGen C0342276, MONDO:0018911, HP:0004904.

Allele frequency attached by ClinVar (database versions not stated): ESP Exome Variant Server 0.00015; TOPMed 0.00021; gnomAD 0.00089 and 0.00011; gnomAD exomes 0.00128 and 0.00248; ExAC 0.00286; 1000 Genomes Project 30x 0.00453; 1000 Genomes Project 0.00519.
gnomAD v4.1: 2,041 of 1,613,888 alleles (0.13%); highest among the groups gnomAD compares: South Asian, 2%; 38 homozygotes.

Submissions (6):

Labcorp Genetics (formerly Invitae), Labcorp
Classification: Benign. Last evaluated: 2026-02-02. Review status: criteria provided, single submitter. Criteria: Invitae Variant Classification Sherloc (09022015). Collection method: clinical testing. Allele origin: germline.

Women's Health and Genetics/Laboratory Corporation of America, LabCorp
Classification: Benign. Last evaluated: 2025-01-08. Review status: criteria provided, single submitter. Criteria: LabCorp Variant Classification Summary - May 2015. Collection method: clinical testing. Allele origin: germline.
Comment: Variant summary: HNF1A c.1624-19G>A alters a nucleotide located at a position not widely known to affect splicing. Consensus agreement among computation tools predict no significant impact on normal splicing. However, these predictions have yet to be confirmed by functional studies. The variant allele was found at a frequency of 0.0025 in 250746 control chromosomes in the gnomAD database, including 12 homozygotes. The observed variant frequency is approximately 99 fold of the estimated maximal expected allele frequency for a pathogenic variant in HNF1A causing Maturity Onset Diabetes Of The Young 3 phenotype (2.5e-05). To our knowledge, no experimental evidence demonstrating an impact on protein function has been reported. ClinVar contains an entry for this variant (Variation ID: 36807). Based on the evidence outlined above, the variant was classified as benign.

Athena Diagnostics
Classification: Benign. Last evaluated: 2021-03-24. Review status: criteria provided, single submitter. Criteria: Athena Diagnostics criteria. Collection method: clinical testing. Allele origin: unknown.

GeneDx
Classification: Likely benign. Last evaluated: 2015-12-03. Review status: criteria provided, single submitter. Criteria: GeneDx Variant Classification (06012015). Collection method: clinical testing. Allele origin: germline. Affected: yes.
Comment: This variant is considered likely benign or benign based on one or more of the following criteria: it is a conservative change, it occurs at a poorly conserved position in the protein, it is predicted to be benign by multiple in silico algorithms, and/or has population frequency not consistent with disease.

Clinical Genomics, Uppaluri K&H Personalized Medicine Clinic
Classification: Benign for Maturity-onset diabetes of the young. Review status: criteria provided, single submitter. Criteria: K & H Uppaluri Personalized Medicine Clinic Variant Classification & Assertion Criteria_Updated V.1. Collection method: research. Allele origin: unknown. Inheritance: Autosomal dominant inheritance.
Comment: Mutations in HNF1A gene can predispose to MODY3. It is associated with both micro and macrovascular complications of diabetes, especially cardiovascular complications. Associated with glucosuria. May respond well to sulfonylureas. However, more evidence is required to confer the association of this particular variant rs193922586 with MODY3.

PreventionGenetics, part of Exact Sciences
Classification: Benign. Review status: criteria provided, single submitter. Criteria: ACMG Guidelines, 2015. Collection method: clinical testing. Allele origin: germline.

Literature cited by the submitters: PubMed 18811724 (cited by Women's Health and Genetics/Laboratory Corporation of America, LabCorp and Athena Diagnostics); PubMed 31517624 (cited by Clinical Genomics, Uppaluri K&H Personalized Medicine Clinic); PubMed 32395877 (cited by Clinical Genomics, Uppaluri K&H Personalized Medicine Clinic); PubMed 35328643 (cited by Clinical Genomics, Uppaluri K&H Personalized Medicine Clinic); PubMed 35673428 (cited by Clinical Genomics, Uppaluri K&H Personalized Medicine Clinic).

NM_000545.8(HNF1A):c.1624-19G>A

Gene: HNF1A (HNF1 homeobox A; plus strand). Cytogenetic location: 12q24.31.
Variant type: single nucleotide variant.
Coding change: c.1624-19G>A on transcript NM_000545.8 (MANE Select); 19 bases into the intron before coding-DNA position 1624, G replaced by A.
Molecular consequence: intron variant. On other transcripts: synonymous variant (1).
Genome position (GRCh38, 1-based): chr12:120,999,464, G>A. VCF-style: chr12-120999464-G-A. GRCh37 (hg19) VCF-style: chr12-121437267-G-A.
Other names: c.1626G>A, p.Glu542= (NM_001306179.2).
Identifiers: ClinVar variation 36807 (VCV000036807.15), dbSNP rs193922586, ClinGen allele CA214279.